The following is an entry in ClinVar:

ClinVar aggregate classification (germline): Benign/Likely benign. Review status: criteria provided, multiple submitters, no conflicts (2 of 4 stars). 3 submissions from 3 submitters: Benign (1); Likely benign (2). Last evaluated 2026-07-22.

Conditions:
PLS3-related disorder. Also called: PLS3-related condition.

Allele frequency attached by ClinVar (database versions not stated): gnomAD exomes 0.00006 and 0.00020; ExAC 0.00027; TOPMed 0.00055; gnomAD 0.00056 and 0.00057; ESP Exome Variant Server 0.00057; 1000 Genomes Project 0.00212; 1000 Genomes Project 30x 0.00229.
gnomAD v4.1: 130 of 1,207,387 alleles (0.011%); highest among the groups gnomAD compares: African/African-American, 0.2%; no homozygotes.

Submissions (3):

PreventionGenetics, part of Exact Sciences
Classification: Likely benign for PLS3-related condition. Last evaluated: 2026-07-22. Review status: criteria provided, single submitter. Criteria: ACMG Guidelines, 2015. Collection method: clinical testing. Allele origin: germline.
Comment: This variant is classified as likely benign based on ACMG/AMP sequence variant interpretation guidelines (Richards et al. 2015 PMID: 25741868, with internal and published modifications).

Labcorp Genetics (formerly Invitae), Labcorp
Classification: Benign. Last evaluated: 2026-01-19. Review status: criteria provided, single submitter. Criteria: Invitae Variant Classification Sherloc (09022015). Collection method: clinical testing. Allele origin: germline.

CeGaT Center for Human Genetics Tuebingen
Classification: Likely benign. Last evaluated: 2022-04-01. Review status: criteria provided, single submitter. Criteria: CeGaT Center For Human Genetics Tuebingen Variant Classification Criteria Version 2. Collection method: clinical testing. Allele origin: germline. Affected: yes. Observed: 1 variant allele.
Comment: PLS3: BP4, BP7

NM_005032.7(PLS3):c.1380A>G (p.Leu460=)

Gene: PLS3 (plastin 3; plus strand). Cytogenetic location: Xq23.
Variant type: single nucleotide variant.
Coding change: c.1380A>G on transcript NM_005032.7 (MANE Select); coding-DNA position 1380, A replaced by G.
Protein change: p.Leu460=; no amino-acid change (leucine 460 retained).
Molecular consequence: synonymous variant.
Genome position (GRCh38, 1-based): chrX:115,646,404, A>G. VCF-style: chrX-115646404-A-G. GRCh37 (hg19) VCF-style: chrX-114880724-A-G.
Other names: c.1380A>G, p.Leu460= (NM_001136025.5); c.1299A>G, p.Leu433= (NM_001172335.3); c.1341A>G, p.Leu447= (NM_001282337.2); c.1245A>G, p.Leu415= (NM_001282338.2).
Identifiers: ClinVar variation 754487 (VCV000754487.33), dbSNP rs75219193, ClinGen allele CA10497071.